The following is an entry in ClinVar:

NM_030948.6(PHACTR1):c.201C>T (p.Ser67=)

Gene: PHACTR1 (phosphatase and actin regulator 1; plus strand). Cytogenetic location: 6p24.1.
Variant type: single nucleotide variant.
Coding change: c.201C>T on transcript NM_030948.6 (MANE Select); coding-DNA position 201, C replaced by T.
Protein change: p.Ser67=; no amino-acid change (serine 67 retained).
Molecular consequence: synonymous variant.
Genome position (GRCh38, 1-based): chr6:12,749,741, C>T. VCF-style: chr6-12749741-C-T. GRCh37 (hg19) VCF-style: chr6-12749973-C-T.
Other names: c.201C>T, p.Ser67= (NM_001242648.4, NM_001322308.3, NM_001322309.3 and 4 more transcripts); c.201C>T (NM_001322309.1).
Identifiers: ClinVar variation 2656233 (VCV002656233.26), dbSNP rs199546311, ClinGen allele CA3638874.
Genomic context (GRCh38, chr6:12,749,741, plus strand): 5'-GGCGGCATCCTCGGAGGATGATATAGACCGGCGGCCCATCCGGAGAGTGCGCTCCAAGAG[C>T]GACACGCCGTACCTCGCAGAGGCCAGGATCTCCTTTAACCTGGGGGCAGGTAAGAACGCC-3'
Protein context (NP_112210.1, residues 57-77): RRPIRRVRSK[Ser67=]DTPYLAEARI

ClinVar aggregate classification (germline): Likely benign. Review status: criteria provided, multiple submitters, no conflicts (2 of 4 stars). 3 submissions from 3 submitters: Likely benign (2). 1 of the submissions does not count toward it. Last evaluated 2026-08-01.

Conditions:
PHACTR1-related disorder. Also called: PHACTR1-related condition.

Allele frequency attached by ClinVar (database versions not stated): 1000 Genomes Project 0.00020; 1000 Genomes Project 30x 0.00031; TOPMed 0.00101; gnomAD 0.00137; gnomAD exomes 0.00140; ExAC 0.00153; ESP Exome Variant Server 0.00193.
gnomAD v4.1: 2,229 of 1,611,934 alleles (0.14%); highest among the groups gnomAD compares: Middle Eastern, 0.26%; 6 homozygotes.

Submissions (3):

CeGaT Center for Human Genetics Tuebingen
Classification: Likely benign. Last evaluated: 2026-08-01. Review status: criteria provided, single submitter. Criteria: CeGaT Center For Human Genetics Tuebingen Variant Classification Criteria Version 2. Collection method: clinical testing. Allele origin: germline. Affected: yes. Observed: 16 variant alleles.
Comment: PHACTR1: BP4, BP7

Blueprint Genetics
Classification: Likely benign. Last evaluated: 2024-11-15. Review status: criteria provided, single submitter. Criteria: ACMG Guidelines, 2015. Collection method: clinical testing. Allele origin: germline.

PreventionGenetics, part of Exact Sciences
Classification: Likely benign for PHACTR1-related condition. Last evaluated: 2019-08-27. Review status: no assertion criteria provided. Collection method: clinical testing. Allele origin: germline. Not counted in ClinVar's aggregate classification.
Comment: This variant is classified as likely benign based on ACMG/AMP sequence variant interpretation guidelines (Richards et al. 2015 PMID: 25741868, with internal and published modifications).